The following is an entry in ClinVar:

ClinVar aggregate classification (germline): Likely pathogenic (0 of 4 stars; one submission).

Conditions:
L1CAM-related disorder. Also called: L1CAM-related condition.

Submission:

PreventionGenetics, part of Exact Sciences
Classification: Likely pathogenic for L1CAM-related condition. Last evaluated: 2023-12-29. Review status: no assertion criteria provided. Collection method: clinical testing. Allele origin: germline.
Comment: The L1CAM c.2872+2T>C variant is predicted to disrupt the GT donor site and interfere with normal splicing. To our knowledge, this variant has not been reported in the literature or in a large population database, indicating this variant is rare. Another variant impacting this same splice site (c.2872+1G>A) was reported in three male patients from the same family with hydrocephalus and/or spastic paraplegia (Claes et al. 1998. PubMed ID: 9452098). Variants that disrupt the consensus splice donor site in L1CAM are expected to be pathogenic. This variant is interpreted as likely pathogenic.

NM_001278116.2(L1CAM):c.2872+2T>C

Gene: L1CAM (L1 cell adhesion molecule; minus strand). Cytogenetic location: Xq28.
Variant type: single nucleotide variant.
Coding change: c.2872+2T>C on transcript NM_001278116.2 (MANE Select); the canonical splice donor site of the intron after coding-DNA position 2872, T replaced by C.
Molecular consequence: splice donor variant.
Genome position (GRCh38, 1-based): chrX:153,865,086, A>G on the plus strand (T>C on the coding strand, the complement: L1CAM is on the minus strand). VCF-style: chrX-153865086-A-G. GRCh37 (hg19) VCF-style: chrX-153130541-A-G.
Other names: c.2857+2T>C (NM_001143963.2); c.2872+2T>C (NM_024003.3, NM_000425.5).
Identifiers: ClinVar variation 3044558 (VCV003044558.2), dbSNP rs2520971808, ClinGen allele CA415114573.
Genomic context (GRCh38, chrX:153,865,086, plus strand): 5'-GCAGCTCTGCCCCCTCCCCGTGGCCCCTCCACCTCCCTTCCCTGCTGGGGCGGCGCACGC[A>G]CGGGGGTGGTAGGAGAGCACGTAGCCGGTGAGCACGCCGTTGTGGCTGAGTGGGGGCTGC-3'